The following is an entry in ClinVar:

NM_177438.3(DICER1):c.3482C>T (p.Pro1161Leu)

Gene: DICER1 (dicer 1, ribonuclease III; minus strand). Cytogenetic location: 14q32.13.
Variant type: single nucleotide variant.
Coding change: c.3482C>T on transcript NM_177438.3 (MANE Select); coding-DNA position 3482, C replaced by T.
Protein change: p.Pro1161Leu; replaces proline 1161 with leucine.
Molecular consequence: missense variant.
Genome position (GRCh38, 1-based): chr14:95,103,914, G>A on the plus strand (C>T on the coding strand, the complement: DICER1 is on the minus strand). VCF-style: chr14-95103914-G-A. GRCh37 (hg19) VCF-style: chr14-95570251-G-A.
Other names: c.3482C>T, p.Pro1161Leu (NM_001195573.1, NM_001271282.3, NM_001291628.2 and 1 more transcripts); short protein forms P1161L.
Identifiers: ClinVar variation 823824 (VCV000823824.4), dbSNP rs1595366672, ClinGen allele CA390875241.
Genomic context (GRCh38, chr14:95,103,914, plus strand): 5'-TTGTAAGAAAGACCATTAATTGCTGTAAGATCTGCTGAAACTTCAACGTGGAGCTTACCA[G>A]GGGACTCGCTGAGCAACGTTCTGCAGTTCACAGACATTTGGTCATGATTTTCTAGAGAGG-3'
Protein context (NP_803187.1, residues 1151-1171): VNCRTLLSES[Pro1161Leu]GKLHVEVSAD

ClinVar aggregate classification (germline): Uncertain significance (1 of 4 stars; one submission).

Conditions:
Hereditary cancer-predisposing syndrome. Also called: Neoplastic Syndromes, Hereditary; Tumor predisposition; Hereditary neoplastic syndrome; Hereditary Cancer Syndrome. Identifiers: Orphanet 140162, MedGen C0027672, MeSH D009386, MONDO:0015356.

Submission:

Ambry Genetics
Classification: Uncertain significance for Hereditary cancer-predisposing syndrome. Last evaluated: 2018-01-19. Review status: criteria provided, single submitter. Criteria: Ambry Variant Classification Scheme 2023. Collection method: clinical testing. Allele origin: germline.
Comment: The p.P1161L variant (also known as c.3482C>T), located in coding exon 20 of the DICER1 gene, results from a C to T substitution at nucleotide position 3482. The proline at codon 1161 is replaced by leucine, an amino acid with similar properties. This amino acid position is well conserved in available vertebrate species. In addition, this alteration is predicted to be tolerated by in silico analysis. Since supporting evidence is limited at this time, the clinical significance of this alteration remains unclear.